The following is an entry in ClinVar:

NM_006005.3(WFS1):c.2068T>C (p.Cys690Arg)

Gene: WFS1 (wolframin ER transmembrane glycoprotein; plus strand). Cytogenetic location: 4p16.1.
Variant type: single nucleotide variant.
Coding change: c.2068T>C on transcript NM_006005.3 (MANE Select); coding-DNA position 2068, T replaced by C.
Protein change: p.Cys690Arg; replaces cysteine 690 with arginine.
Molecular consequence: missense variant.
Genome position (GRCh38, 1-based): chr4:6,301,863, T>C. VCF-style: chr4-6301863-T-C. GRCh37 (hg19) VCF-style: chr4-6303590-T-C.
Other names: c.2068T>C, p.Cys690Arg (NM_001145853.1); short protein forms C690R.
Identifiers: ClinVar variation 2203528 (VCV002203528.5), dbSNP rs754373473, ClinGen allele CA2839589.

ClinVar aggregate classification (germline): Likely pathogenic. Review status: criteria provided, multiple submitters, no conflicts (2 of 4 stars). 2 submissions from 2 submitters: Likely pathogenic (2). Last evaluated 2022-04-18.

Conditions:
WFS1-related disorder. Identifiers: MedGen CN379391, MONDO:0700293.

Allele frequency attached by ClinVar (database versions not stated): gnomAD exomes 0.00001; ExAC 0.00002.
gnomAD v4.1: 10 of 1,612,946 alleles (0.00062%); highest among the groups gnomAD compares: Non-Finnish European, 0.00085%; no homozygotes.

Submissions (2):

Labcorp Genetics (formerly Invitae), Labcorp
Classification: Likely pathogenic. Last evaluated: 2022-04-18. Review status: criteria provided, single submitter. Criteria: Invitae Variant Classification Sherloc (09022015). Collection method: clinical testing. Allele origin: germline.
Comment: This sequence change replaces cysteine, which is neutral and slightly polar, with arginine, which is basic and polar, at codon 690 of the WFS1 protein (p.Cys690Arg). This variant disrupts the p.Cys690Tyr amino acid residue in WFS1. Other variant(s) that disrupt this residue have been determined to be pathogenic (PMID: 18806274, 31893057). This suggests that this residue is clinically significant, and that variants that disrupt this residue are likely to be disease-causing. Advanced modeling of protein sequence and biophysical properties (such as structural, functional, and spatial information, amino acid conservation, physicochemical variation, residue mobility, and thermodynamic stability) performed at Invitae indicates that this missense variant is expected to disrupt WFS1 protein function. This missense change has been observed in individual(s) with Wolfram syndrome (PMID: 10521293). This variant is present in population databases (rs754373473, gnomAD 0.002%). In summary, the currently available evidence indicates that the variant is pathogenic, but additional data are needed to prove that conclusively. Therefore, this variant has been classified as Likely Pathogenic.

Blueprint Genetics
Classification: Likely pathogenic for WFS1-related disorders. Last evaluated: 2022-01-21. Review status: criteria provided, single submitter. Criteria: ACMG Guidelines, 2015. Collection method: clinical testing. Allele origin: germline. Affected: yes. Observed: 1 variant allele.

Literature cited by the submitters: PubMed 18806274 (cited by Labcorp Genetics (formerly Invitae), Labcorp); PubMed 31893057 (cited by Labcorp Genetics (formerly Invitae), Labcorp); PubMed 10521293 (cited by Labcorp Genetics (formerly Invitae), Labcorp).